The following is an entry in ClinVar:

ClinVar aggregate classification (germline): Likely benign. Review status: criteria provided, multiple submitters, no conflicts (2 of 4 stars). 2 submissions from 2 submitters: Likely benign (2). Last evaluated 2026-01-18.

Conditions:
Catecholaminergic polymorphic ventricular tachycardia 1. Also called: RYR2-Related Catecholaminergic Polymorphic Ventricular Tachycardia; VENTRICULAR TACHYCARDIA, CATECHOLAMINERGIC POLYMORPHIC, 1, WITH OR WITHOUT ATRIAL DYSFUNCTION AND/OR DILATED CARDIOMYOPATHY; VENTRICULAR TACHYCARDIA, STRESS-INDUCED POLYMORPHIC 1. Identifiers: Orphanet 3286, MedGen C1631597, MONDO:0011484, OMIM 604772.

Allele frequency attached by ClinVar (database versions not stated): gnomAD 0.00002; gnomAD exomes 0.00003; ExAC 0.00005; TOPMed 0.00005; ESP Exome Variant Server 0.00010.
gnomAD v4.1: 35 of 1,312,750 alleles (0.0027%); highest among the groups gnomAD compares: Middle Eastern, 0.019%; no homozygotes.

Submissions (2):

Labcorp Genetics (formerly Invitae), Labcorp
Classification: Likely benign for Catecholaminergic polymorphic ventricular tachycardia 1. Last evaluated: 2026-01-18. Review status: criteria provided, single submitter. Criteria: Invitae Variant Classification Sherloc (09022015). Collection method: clinical testing. Allele origin: germline.

GeneDx
Classification: Likely benign. Last evaluated: 2016-10-19. Review status: criteria provided, single submitter. Criteria: GeneDx Variant Classification (06012015). Collection method: clinical testing. Allele origin: germline. Affected: yes.
Comment: This variant is considered likely benign or benign based on one or more of the following criteria: it is a conservative change, it occurs at a poorly conserved position in the protein, it is predicted to be benign by multiple in silico algorithms, and/or has population frequency not consistent with disease.

NM_006073.4(TRDN):c.1951+16G>A

Gene: TRDN (triadin; minus strand). Cytogenetic location: 6q22.31.
Variant type: single nucleotide variant.
Coding change: c.1951+16G>A on transcript NM_006073.4 (MANE Select); 16 bases into the intron after coding-DNA position 1951, G replaced by A.
Molecular consequence: intron variant.
Genome position (GRCh38, 1-based): chr6:123,255,065, C>T on the plus strand (G>A on the coding strand, the complement: TRDN is on the minus strand). VCF-style: chr6-123255065-C-T. GRCh37 (hg19) VCF-style: chr6-123576210-C-T.
Identifiers: ClinVar variation 390145 (VCV000390145.10), dbSNP rs377046739, ClinGen allele CA3983692.
Genomic context (GRCh38, chr6:123,255,065, plus strand): 5'-TTTAATATTAATATTAAGCAACAACATAATTCATATGTTTTCATACAAACATAGTAGTTA[C>T]GTAATTCAAGATTACCTTTTGTCACATTGTGTAATTGAAGACTTTCTTTTCTTGTTGAGA-3'